The following is an entry in ClinVar:

NM_000702.4(ATP1A2):c.477C>G (p.Phe159Leu)

Gene: ATP1A2 (ATPase Na+/K+ transporting subunit alpha 2; plus strand). Cytogenetic location: 1q23.2.
Variant type: single nucleotide variant.
Coding change: c.477C>G on transcript NM_000702.4 (MANE Select); coding-DNA position 477, C replaced by G.
Protein change: p.Phe159Leu; replaces phenylalanine 159 with leucine.
Molecular consequence: missense variant.
Genome position (GRCh38, 1-based): chr1:160,124,038, C>G. VCF-style: chr1-160124038-C-G. GRCh37 (hg19) VCF-style: chr1-160093828-C-G.
Other names: short protein forms F159L.
Identifiers: ClinVar variation 1472377 (VCV001472377.6), dbSNP rs2101985919, ClinGen allele CA343232881.

ClinVar aggregate classification (germline): Uncertain significance (1 of 4 stars; one submission).

Conditions:
Familial hemiplegic migraine. Identifiers: MedGen C0338484, MONDO:0000700.

Submission:

Labcorp Genetics (formerly Invitae), Labcorp
Classification: Uncertain significance for Familial hemiplegic migraine. Last evaluated: 2021-08-05. Review status: criteria provided, single submitter. Criteria: Invitae Variant Classification Sherloc (09022015). Collection method: clinical testing. Allele origin: germline.
Comment: Algorithms developed to predict the effect of missense changes on protein structure and function are either unavailable or do not agree on the potential impact of this missense change (SIFT: "Deleterious"; PolyPhen-2: "Probably Damaging"; Align-GVGD: "Class C15"). In summary, the available evidence is currently insufficient to determine the role of this variant in disease. Therefore, it has been classified as a Variant of Uncertain Significance. This variant has not been reported in the literature in individuals affected with ATP1A2-related conditions. This sequence change replaces phenylalanine with leucine at codon 159 of the ATP1A2 protein (p.Phe159Leu). The phenylalanine residue is highly conserved and there is a small physicochemical difference between phenylalanine and leucine. This variant is not present in population databases (ExAC no frequency).